The following is an entry in ClinVar:

ClinVar aggregate classification (germline): Conflicting classifications of pathogenicity. Review status: criteria provided, conflicting classifications (1 of 4 stars). 2 submissions from 2 submitters: Uncertain significance (1); Likely benign (1). Last evaluated 2026-07-31.

Submissions (2):

GeneDx
Classification: Uncertain significance. Last evaluated: 2026-07-31. Review status: criteria provided, single submitter. Criteria: GeneDx Variant Classification Process June 2021. Collection method: clinical testing. Allele origin: germline.
Comment: In silico analysis suggests this variant may impact gene splicing. In the absence of RNA/functional studies, the actual effect of this sequence change is unknown.; Has not been previously published as pathogenic or benign to our knowledge

Labcorp Genetics (formerly Invitae), Labcorp
Classification: Likely benign. Last evaluated: 2025-05-24. Review status: criteria provided, single submitter. Criteria: Invitae Variant Classification Sherloc (09022015). Collection method: clinical testing. Allele origin: germline.

NM_018896.5(CACNA1G):c.3985-12G>A

Gene: CACNA1G (calcium voltage-gated channel subunit alpha1 G; plus strand). Cytogenetic location: 17q21.33.
Variant type: single nucleotide variant.
Coding change: c.3985-12G>A on transcript NM_018896.5 (MANE Select); 12 bases into the intron before coding-DNA position 3985, G replaced by A.
Molecular consequence: intron variant.
Genome position (GRCh38, 1-based): chr17:50,603,003, G>A. VCF-style: chr17-50603003-G-A. GRCh37 (hg19) VCF-style: chr17-48680364-G-A.
Other names: c.3985-12G>A (NM_001256325.2, NM_198377.3, NM_198380.3 and 16 more transcripts); c.3916-12G>A (NM_198396.3, NM_198379.3, NM_198387.3 and 5 more transcripts).
Identifiers: ClinVar variation 3340819 (VCV003340819.3).